The following is an entry in ClinVar:

NM_005876.5(SPEG):c.8516G>T (p.Gly2839Val)

Genes: ASIC4-AS1 (ASIC4 antisense RNA 1; minus strand), SPEG (striated muscle enriched protein kinase; plus strand). Cytogenetic location: 2q35.
Variant type: single nucleotide variant.
Coding change: c.8516G>T on transcript NM_005876.5 (MANE Select); coding-DNA position 8516, G replaced by T.
Protein change: p.Gly2839Val; replaces glycine 2839 with valine.
Molecular consequence: missense variant.
Genome position (GRCh38, 1-based): chr2:219,489,534, G>T. VCF-style: chr2-219489534-G-T. GRCh37 (hg19) VCF-style: chr2-220354256-G-T.
Other names: short protein forms G2839V.
Identifiers: ClinVar variation 1049363 (VCV001049363.1), dbSNP rs1354555779, ClinGen allele CA350709261.
Genomic context (GRCh38, chr2:219,489,534, plus strand): 5'-TCAGCCCCTCATCTCCCCCCACACCTCCTAGCCAGGCCTTGTCCTCGCTCAAGGCTGTGG[G>T]TCCACCACCCCAAACCCCTCCACGAAGACACAGGGGCCTGCAGGCTGCCCGGCCAGCGGA-3'
Protein context (NP_005867.3, residues 2829-2849): SQALSSLKAV[Gly2839Val]PPPQTPPRRH

ClinVar aggregate classification (germline): Uncertain significance (0 of 4 stars; one submission).

gnomAD v4.1: 2 of 1,613,354 alleles (0.00012%); highest among the groups gnomAD compares: Non-Finnish European, 0.00017%; no homozygotes.

Submission:

Department of Pathology and Laboratory Medicine, Sinai Health System
Classification: Uncertain significance. Review status: no assertion criteria provided. Collection method: clinical testing. Allele origin: unknown. Affected: yes. Study: The Canadian Open Genetics Repository (COGR).
Comment: The SPEG p.G2839V variant was not identified in the literature nor was it identified in dbSNP, ClinVar, LOVD 3.0 or in the following control databases: the 1000 Genomes Project, the NHLBI GO Exome Sequencing Project, the Exome Aggregation Consortium (August 8th 2016), or the Genome Aggregation Database (Feb 27, 2017). The p.Gly2839 residue is conserved in mammals and computational analyses (PolyPhen-2, SIFT, AlignGVGD, BLOSUM, MutationTaster) provide inconsistent predictions regarding the impact to the protein; this information is not very predictive of pathogenicity. The variant occurs outside of the splicing consensus sequence and in silico or computational prediction software programs (SpliceSiteFinder, MaxEntScan, NNSPLICE, GeneSplicer) do not predict a difference in splicing. In summary, based on the above information the clinical significance of this variant cannot be determined with certainty at this time. This variant is classified as a variant of uncertain significance.